The following is an entry in ClinVar:

NM_005120.3(MED12):c.607G>A (p.Glu203Lys)

Gene: MED12 (mediator complex subunit 12; plus strand). Cytogenetic location: Xq13.1.
Variant type: single nucleotide variant.
Coding change: c.607G>A on transcript NM_005120.3 (MANE Select); coding-DNA position 607, G replaced by A.
Protein change: p.Glu203Lys; replaces glutamic acid 203 with lysine.
Molecular consequence: missense variant.
Genome position (GRCh38, 1-based): chrX:71,121,024, G>A. VCF-style: chrX-71121024-G-A. GRCh37 (hg19) VCF-style: chrX-70340874-G-A.
Other names: short protein forms E203K.
Identifiers: ClinVar variation 1687692 (VCV001687692.2), dbSNP rs1219301632, ClinGen allele CA413500603.

ClinVar aggregate classification (germline): Uncertain significance (1 of 4 stars; one submission).

Submission:

GeneDx
Classification: Uncertain significance. Last evaluated: 2021-11-26. Review status: criteria provided, single submitter. Criteria: GeneDx Variant Classification Process June 2021. Collection method: clinical testing. Allele origin: germline. Affected: yes.
Comment: In silico analysis supports that this missense variant has a deleterious effect on protein structure/function; Has not been previously published as pathogenic or benign to our knowledge